The following is an entry in ClinVar:

NM_001079843.3(CASZ1):c.4692C>T (p.Tyr1564=)

Gene: CASZ1 (castor zinc finger 1; minus strand). Cytogenetic location: 1p36.22.
Variant type: single nucleotide variant.
Coding change: c.4692C>T on transcript NM_001079843.3 (MANE Select); coding-DNA position 4692, C replaced by T.
Protein change: p.Tyr1564=; no amino-acid change (tyrosine 1564 retained).
Molecular consequence: synonymous variant.
Genome position (GRCh38, 1-based): chr1:10,639,530, G>A on the plus strand (C>T on the coding strand, the complement: CASZ1 is on the minus strand). VCF-style: chr1-10639530-G-A. GRCh37 (hg19) VCF-style: chr1-10699587-G-A.
Identifiers: ClinVar variation 2757862 (VCV002757862.18), dbSNP rs376832173, ClinGen allele CA584131.
Genomic context (GRCh38, chr1:10,639,530, plus strand): 5'-GCCCACCACCGTGTGGCGGCAGCCCGGGAAGGTGCAGTGGAAGTGCGAGCACTTGAGCTT[G>A]TACTTGCAGTCGGGCACGGCGCAGTCGGCGCTGGAGCTGAACTGGCAGAAGCCCGCGGCG-3'
Protein context (NP_001073312.1, residues 1554-1574): SADCAVPDCK[Tyr1564=]KLKCSHFHCT

ClinVar aggregate classification (germline): Likely benign. Review status: criteria provided, multiple submitters, no conflicts (2 of 4 stars). 3 submissions from 3 submitters: Likely benign (3). Last evaluated 2026-05-01.

Allele frequency attached by ClinVar (database versions not stated): 1000 Genomes Project 30x 0.00016; ExAC 0.00029; gnomAD 0.00029; ESP Exome Variant Server 0.00032; TOPMed 0.00034; gnomAD exomes 0.00078.

Submissions (3):

CeGaT Center for Human Genetics Tuebingen
Classification: Likely benign. Last evaluated: 2026-05-01. Review status: criteria provided, single submitter. Criteria: CeGaT Center For Human Genetics Tuebingen Variant Classification Criteria Version 2. Collection method: clinical testing. Allele origin: germline. Affected: yes. Observed: 3 variant alleles.
Comment: CASZ1: BP4

Labcorp Genetics (formerly Invitae), Labcorp
Classification: Likely benign. Last evaluated: 2024-10-28. Review status: criteria provided, single submitter. Criteria: Invitae Variant Classification Sherloc (09022015). Collection method: clinical testing. Allele origin: germline.

Blueprint Genetics
Classification: Likely benign. Last evaluated: 2024-08-16. Review status: criteria provided, single submitter. Criteria: ACMG Guidelines, 2015. Collection method: clinical testing. Allele origin: germline.